The following is an entry in ClinVar:

ClinVar aggregate classification (germline): Uncertain significance. Review status: criteria provided, multiple submitters, no conflicts (2 of 4 stars). 2 submissions from 2 submitters: Uncertain significance (2). Last evaluated 2022-05-03.

Allele frequency attached by ClinVar (database versions not stated): gnomAD 0.00001; gnomAD exomes 0.00001 and 0.00002; TOPMed 0.00001.
gnomAD v4.1: 17 of 1,613,916 alleles (0.0011%); highest among the groups gnomAD compares: Admixed American, 0.0083%; no homozygotes.

Submissions (2):

Labcorp Genetics (formerly Invitae), Labcorp
Classification: Uncertain significance. Last evaluated: 2022-05-03. Review status: criteria provided, single submitter. Criteria: Invitae Variant Classification Sherloc (09022015). Collection method: clinical testing. Allele origin: germline.
Comment: This variant has not been reported in the literature in individuals affected with PCARE-related conditions. In summary, the available evidence is currently insufficient to determine the role of this variant in disease. Therefore, it has been classified as a Variant of Uncertain Significance. Algorithms developed to predict the effect of missense changes on protein structure and function output the following: SIFT: "Tolerated"; PolyPhen-2: "Benign"; Align-GVGD: "Class C0". The lysine amino acid residue is found in multiple mammalian species, which suggests that this missense change does not adversely affect protein function. ClinVar contains an entry for this variant (Variation ID: 866427). This variant is present in population databases (no rsID available, gnomAD 0.01%). This sequence change replaces glutamic acid, which is acidic and polar, with lysine, which is basic and polar, at codon 864 of the PCARE protein (p.Glu864Lys).

Blueprint Genetics
Classification: Uncertain significance. Last evaluated: 2019-01-14. Review status: criteria provided, single submitter. Criteria: ACMG Guidelines, 2015. Collection method: clinical testing. Allele origin: germline.

NM_001029883.3(PCARE):c.2590G>A (p.Glu864Lys)

Gene: PCARE (photoreceptor cilium actin regulator; minus strand). Cytogenetic location: 2p23.2.
Variant type: single nucleotide variant.
Coding change: c.2590G>A on transcript NM_001029883.3 (MANE Select); coding-DNA position 2590, G replaced by A.
Protein change: p.Glu864Lys; replaces glutamic acid 864 with lysine.
Molecular consequence: missense variant.
Genome position (GRCh38, 1-based): chr2:29,071,672, C>T on the plus strand (G>A on the coding strand, the complement: PCARE is on the minus strand). VCF-style: chr2-29071672-C-T. GRCh37 (hg19) VCF-style: chr2-29294538-C-T.
Other names: short protein forms E864K.
Identifiers: ClinVar variation 866427 (VCV000866427.7), dbSNP rs1013795356, ClinGen allele CA44640813.